The following is an entry in ClinVar:

NM_000090.4(COL3A1):c.528+5G>T

Gene: COL3A1 (collagen type III alpha 1 chain; plus strand). Cytogenetic location: 2q32.2.
Variant type: single nucleotide variant.
Coding change: c.528+5G>T on transcript NM_000090.4 (MANE Select); 5 bases into the intron after coding-DNA position 528, G replaced by T.
Molecular consequence: intron variant.
Genome position (GRCh38, 1-based): chr2:188,987,144, G>T. VCF-style: chr2-188987144-G-T. GRCh37 (hg19) VCF-style: chr2-189851870-G-T.
Identifiers: ClinVar variation 2452334 (VCV002452334.3), dbSNP rs794728038, ClinGen allele CA2580065263.

ClinVar aggregate classification (germline): Likely pathogenic (1 of 4 stars; one submission).

Conditions:
Familial thoracic aortic aneurysm and aortic dissection (TAAD). Also called: Thoracic aortic aneurysms and dissections. Identifiers: Orphanet 91387, MedGen C4707243, MONDO:0019625.

gnomAD v4.1: 1 of 1,608,726 alleles (0.000062%); no homozygotes.

Submission:

Ambry Genetics
Classification: Likely pathogenic for Familial thoracic aortic aneurysm and aortic dissection. Last evaluated: 2024-06-17. Review status: criteria provided, single submitter. Criteria: Ambry Variant Classification Scheme 2023. Collection method: clinical testing. Allele origin: germline.
Comment: The c.528+5G>T intronic variant results from a G to T substitution 5 nucleotides after coding exon 5 in the COL3A1 gene. This alteration has been observed in at least one individual with a personal and/or family history that is consistent with COL3A1-related disease (Ambry internal data). Another alteration impacting the same donor site (c.528+5G>A) has been detected in individuals with a personal and/or family history that is consistent with COL3A1-related disease (Henneton P et al. Circ Genom Precis Med, 2019 03;12:e001996). In addition, this variant is considered to be rare based on population cohorts in the Genome Aggregation Database (gnomAD). This nucleotide position is highly conserved in available vertebrate species. In silico splice site analysis predicts that this alteration will weaken the native splice donor site and will result in the creation or strengthening of a novel splice donor site. Based on the majority of available evidence to date, this variant is likely to be pathogenic.